The following is an entry in ClinVar:

NM_000275.3(OCA2):c.2293G>A (p.Ala765Thr)

Gene: OCA2 (OCA2 melanosomal transmembrane protein; minus strand). Cytogenetic location: 15q13.1.
Variant type: single nucleotide variant.
Coding change: c.2293G>A on transcript NM_000275.3 (MANE Select); coding-DNA position 2293, G replaced by A.
Protein change: p.Ala765Thr; replaces alanine 765 with threonine.
Molecular consequence: missense variant.
Genome position (GRCh38, 1-based): chr15:27,851,427, C>T on the plus strand (G>A on the coding strand, the complement: OCA2 is on the minus strand). VCF-style: chr15-27851427-C-T. GRCh37 (hg19) VCF-style: chr15-28096573-C-T.
Other names: c.2221G>A, p.Ala741Thr (NM_001300984.2); short protein forms A765T, A741T.
Identifiers: ClinVar variation 195645 (VCV000195645.26), dbSNP rs145968118, ClinGen allele CA242139.

ClinVar aggregate classification (germline): Conflicting classifications of pathogenicity. Review status: criteria provided, conflicting classifications (1 of 4 stars). 8 submissions from 8 submitters: Uncertain significance (3); Benign (1); Likely benign (1). 3 of the submissions do not count toward it. Last evaluated 2026-01-29.

Conditions:
OCA2-related disorder. Also called: OCA2-related condition.
Tyrosinase-positive oculocutaneous albinism (OCA2). Also called: Oculocutaneous albinism type 2; ALBINISM II; Albinism, oculocutaneous, type II. Identifiers: Orphanet 79432, MedGen C0268495, MONDO:0008746, OMIM 203200.

Allele frequency attached by ClinVar (database versions not stated): 1000 Genomes Project 0.00060; 1000 Genomes Project 30x 0.00062; ExAC 0.00095; gnomAD exomes 0.00104; gnomAD 0.00110 and 0.00115; ESP Exome Variant Server 0.00123; TOPMed 0.00165.
gnomAD v4.1: 1,192 of 1,613,880 alleles (0.074%); highest among the groups gnomAD compares: Middle Eastern, 0.2%; 8 homozygotes.

Submissions (8):

Labcorp Genetics (formerly Invitae), Labcorp
Classification: Benign. Last evaluated: 2026-01-29. Review status: criteria provided, single submitter. Criteria: Invitae Variant Classification Sherloc (09022015). Collection method: clinical testing. Allele origin: germline.

Blueprint Genetics
Classification: Likely benign. Last evaluated: 2024-11-26. Review status: criteria provided, single submitter. Criteria: ACMG Guidelines, 2015. Collection method: clinical testing. Allele origin: germline.

Genome-Nilou Lab
Classification: Uncertain significance for Tyrosinase-positive oculocutaneous albinism. Last evaluated: 2021-11-07. Review status: criteria provided, single submitter. Criteria: ACMG Guidelines, 2015. Collection method: clinical testing. Allele origin: germline. Affected: no.

Illumina Laboratory Services, Illumina
Classification: Uncertain significance for Tyrosinase-positive oculocutaneous albinism. Last evaluated: 2018-01-13. Review status: criteria provided, single submitter. Criteria: ICSL Variant Classification Criteria 13 December 2019. Collection method: clinical testing. Allele origin: germline.

Eurofins Ntd Llc (ga)
Classification: Uncertain significance. Last evaluated: 2014-11-24. Review status: criteria provided, single submitter. Criteria: EGL Classification Definitions 2015. Collection method: clinical testing. Allele origin: germline. Observed: 2 variant alleles, 2 heterozygotes.

PreventionGenetics, part of Exact Sciences
Classification: Benign for OCA2-related condition. Last evaluated: 2019-05-17. Review status: no assertion criteria provided. Collection method: clinical testing. Allele origin: germline. Not counted in ClinVar's aggregate classification.
Comment: This variant is classified as benign based on ACMG/AMP sequence variant interpretation guidelines (Richards et al. 2015 PMID: 25741868, with internal and published modifications).

Clinical Genetics DNA and cytogenetics Diagnostics Lab, Erasmus MC, Erasmus Medical Center
Classification: Uncertain significance. Review status: no assertion criteria provided. Collection method: clinical testing. Allele origin: germline. Affected: yes. Study: VKGL Data-share Consensus. Not counted in ClinVar's aggregate classification.

Clinical Genetics, Academic Medical Center
Classification: Uncertain significance. Review status: no assertion criteria provided. Collection method: clinical testing. Allele origin: germline. Affected: yes. Study: VKGL Data-share Consensus. Not counted in ClinVar's aggregate classification.

Literature cited by the submitters: PubMed 21541274 (cited by Eurofins Ntd Llc (ga)).